The following is an entry in ClinVar:

NM_000843.4(GRM6):c.1081T>C (p.Trp361Arg)

Genes: GRM6 (glutamate metabotropic receptor 6; minus strand), ZNF454 (zinc finger protein 454; plus strand). Cytogenetic location: 5q35.3.
Variant type: single nucleotide variant.
Coding change: c.1081T>C on transcript NM_000843.4 (MANE Select); coding-DNA position 1081, T replaced by C.
Protein change: p.Trp361Arg; replaces tryptophan 361 with arginine.
Molecular consequence: missense variant.
Genome position (GRCh38, 1-based): chr5:178,989,337, A>G on the plus strand (T>C on the coding strand, the complement: GRM6 is on the minus strand). VCF-style: chr5-178989337-A-G. GRCh37 (hg19) VCF-style: chr5-178416338-A-G.
Other names: short protein forms W361R.
Identifiers: ClinVar variation 1396200 (VCV001396200.9), dbSNP rs769552577, ClinGen allele CA3594237.

ClinVar aggregate classification (germline): Uncertain significance. Review status: criteria provided, multiple submitters, no conflicts (2 of 4 stars). 2 submissions from 2 submitters: Uncertain significance (2). Last evaluated 2023-06-20.

Allele frequency attached by ClinVar (database versions not stated): gnomAD exomes below 0.00001; ExAC 0.00001; gnomAD 0.00001; TOPMed 0.00001.
gnomAD v4.1: 8 of 1,613,260 alleles (0.0005%); highest among the groups gnomAD compares: Non-Finnish European, 0.00059%; no homozygotes.

Submissions (2):

Blueprint Genetics
Classification: Uncertain significance. Last evaluated: 2023-06-20. Review status: criteria provided, single submitter. Criteria: ACMG Guidelines, 2015. Collection method: clinical testing. Allele origin: germline.

Labcorp Genetics (formerly Invitae), Labcorp
Classification: Uncertain significance. Last evaluated: 2022-07-19. Review status: criteria provided, single submitter. Criteria: Invitae Variant Classification Sherloc (09022015). Collection method: clinical testing. Allele origin: germline.
Comment: ClinVar contains an entry for this variant (Variation ID: 1396200). This variant has not been reported in the literature in individuals affected with GRM6-related conditions. This variant is present in population databases (rs769552577, gnomAD 0.003%). This sequence change replaces tryptophan, which is neutral and slightly polar, with arginine, which is basic and polar, at codon 361 of the GRM6 protein (p.Trp361Arg). Advanced modeling of protein sequence and biophysical properties (such as structural, functional, and spatial information, amino acid conservation, physicochemical variation, residue mobility, and thermodynamic stability) performed at Invitae indicates that this missense variant is expected to disrupt GRM6 protein function. In summary, the available evidence is currently insufficient to determine the role of this variant in disease. Therefore, it has been classified as a Variant of Uncertain Significance.